The following is an entry in ClinVar:

ClinVar aggregate classification (germline): Uncertain significance (1 of 4 stars; one submission).

Conditions:
Developmental and epileptic encephalopathy, 1 (DEE1). Also called: INFANTILE SPASM SYNDROME, X-LINKED 1; X-linked infantile spasms; West's syndrome; Tonic spasms with clustering, arrest of psychomotor development and hypsarrhythmia on EEG; X-Linked Infantile Spasm Syndrome; Epileptic encephalopathy, early infantile, 1. Identifiers: MedGen C3463992, MONDO:0010632, OMIM 308350. Disease mechanism: loss of function.
Autosomal recessive spinocerebellar ataxia 12. Also called: SPINOCEREBELLAR ATAXIA WITH MENTAL RETARDATION AND EPILEPSY. Identifiers: Orphanet 284282, MedGen C3280452, MONDO:0013687, OMIM 614322.

Allele frequency attached by ClinVar (database versions not stated): gnomAD exomes below 0.00001 and 0.00001; ExAC 0.00001; gnomAD 0.00001.
gnomAD v4.1: 8 of 1,612,406 alleles (0.0005%); highest among the groups gnomAD compares: Non-Finnish European, 0.00068%; no homozygotes.

Submission:

Labcorp Genetics (formerly Invitae), Labcorp
Classification: Uncertain significance for Developmental and epileptic encephalopathy, 1; Autosomal recessive spinocerebellar ataxia 12. Last evaluated: 2022-06-04. Review status: criteria provided, single submitter. Criteria: Invitae Variant Classification Sherloc (09022015). Collection method: clinical testing. Allele origin: germline.
Comment: This sequence change falls in intron 5 of the WWOX gene. It does not directly change the encoded amino acid sequence of the WWOX protein. It affects a nucleotide within the consensus splice site. This variant is present in population databases (rs200058019, gnomAD 0.0009%). This variant has not been reported in the literature in individuals affected with WWOX-related conditions. ClinVar contains an entry for this variant (Variation ID: 839045). Variants that disrupt the consensus splice site are a relatively common cause of aberrant splicing (PMID: 17576681, 9536098). Algorithms developed to predict the effect of sequence changes on RNA splicing suggest that this variant is not likely to affect RNA splicing. In summary, the available evidence is currently insufficient to determine the role of this variant in disease. Therefore, it has been classified as a Variant of Uncertain Significance.

Literature cited by the submitters: PubMed 17576681; PubMed 9536098.

NM_016373.4(WWOX):c.516+3A>G

Gene: WWOX (WW domain containing oxidoreductase; plus strand). Cytogenetic location: 16q23.1.
Variant type: single nucleotide variant.
Coding change: c.516+3A>G on transcript NM_016373.4 (MANE Select); 3 bases into the intron after coding-DNA position 516, A replaced by G.
Molecular consequence: intron variant.
Genome position (GRCh38, 1-based): chr16:78,164,292, A>G. VCF-style: chr16-78164292-A-G. GRCh37 (hg19) VCF-style: chr16-78198189-A-G.
Other names: c.177+3A>G (NM_001291997.2); c.516+3A>G (NM_130791.5).
Identifiers: ClinVar variation 839045 (VCV000839045.5), dbSNP rs200058019, ClinGen allele CA8183238.